The following is an entry in ClinVar:

NM_000271.5(NPC1):c.1907C>T (p.Ser636Phe)

Gene: NPC1 (NPC intracellular cholesterol transporter 1; minus strand). Cytogenetic location: 18q11.2.
Variant type: single nucleotide variant.
Coding change: c.1907C>T on transcript NM_000271.5 (MANE Select); coding-DNA position 1907, C replaced by T.
Protein change: p.Ser636Phe; replaces serine 636 with phenylalanine.
Molecular consequence: missense variant.
Genome position (GRCh38, 1-based): chr18:23,545,000, G>A on the plus strand (C>T on the coding strand, the complement: NPC1 is on the minus strand). VCF-style: chr18-23545000-G-A. GRCh37 (hg19) VCF-style: chr18-21124964-G-A.
Other names: short protein forms S636F.
Identifiers: ClinVar variation 5004920 (VCV005004920.1).
Genomic context (GRCh38, chr18:23,545,000, plus strand): 5'-ACCACCCCCCCCCGGCTTACCAGAAGCCTGCGACAGCTTTTCATGTGCCCCAAGGCTAGG[G>A]AAATATATAGAAACATGATGGCATAGCTAATTACAACGGTGAAGACATCACTGTCACTTT-3'
Protein context (NP_000262.2, residues 626-646): ISYAIMFLYI[Ser636Phe]LALGHMKSCR

ClinVar aggregate classification (germline): Uncertain significance (1 of 4 stars; one submission).

Conditions:
Niemann-Pick disease, type C1. Also called: NEUROVISCERAL STORAGE DISEASE WITH VERTICAL SUPRANUCLEAR OPHTHALMOPLEGIA; NIEMANN-PICK DISEASE WITH CHOLESTEROL ESTERIFICATION BLOCK; NIEMANN-PICK DISEASE WITHOUT SPHINGOMYELINASE DEFICIENCY; NIEMANN-PICK DISEASE, CHRONIC NEURONOPATHIC FORM; NIEMANN-PICK DISEASE, VARIANT TYPE C1. Identifiers: Orphanet 646, MedGen C3179455, MONDO:0009757, OMIM 257220.

Submission:

Myriad Genetics, Inc.
Classification: Uncertain significance for Niemann-Pick disease, type C1. Last evaluated: 2026-03-31. Review status: criteria provided, single submitter. Criteria: Myriad Autosomal Dominant, Autosomal Recessive and X-Linked Classification Criteria (2023). Collection method: clinical testing. Allele origin: unknown.
Comment: NM_000271.4(NPC1):c.1907C>T(S636F) is a missense variant classified as a variant of uncertain significance in the context of Niemann-Pick disease type C1. S636F has been observed in cases with relevant disease (PMID: 19252935, 32138288, 30285904). Relevant functional assessments of this variant are available in the literature (PMID: 31509197, 31699992, 28193631). S636F has not been observed in referenced population frequency databases. In summary, there is insufficient evidence to classify NM_000271.4(NPC1):c.1907C>T(S636F) as pathogenic or benign. Please note: this variant was assessed in the context of healthy population screening.

Literature cited by the submitters: PubMed 19252935; PubMed 28193631; PubMed 30285904; PubMed 31509197; PubMed 31699992; PubMed 32138288.